The following is an entry in ClinVar:

ClinVar aggregate classification (germline): Uncertain significance (1 of 4 stars; one submission).

Submission:

Labcorp Genetics (formerly Invitae), Labcorp
Classification: Uncertain significance. Last evaluated: 2021-11-08. Review status: criteria provided, single submitter. Criteria: Invitae Variant Classification Sherloc (09022015). Collection method: clinical testing. Allele origin: germline.
Comment: This sequence change creates a premature translational stop signal (p.Asn362Thrfs*65) in the CDCA7 gene. While this is not anticipated to result in nonsense mediated decay, it is expected to disrupt the last 89 amino acid(s) of the CDCA7 protein. This variant is not present in population databases (gnomAD no frequency). This variant has not been reported in the literature in individuals affected with CDCA7-related conditions. In summary, the available evidence is currently insufficient to determine the role of this variant in disease. Therefore, it has been classified as a Variant of Uncertain Significance.

NM_031942.5(CDCA7):c.1085del (p.Asn362fs)

Gene: CDCA7 (cell division cycle associated 7; plus strand). Cytogenetic location: 2q31.1.
Variant type: Deletion.
Coding change: c.1085del on transcript NM_031942.5 (MANE Select); coding-DNA position 1085, one base deleted (A; older notation c.1085delA).
Protein change: p.Asn362fs; shifts the reading frame from asparagine 362.
Molecular consequence: frameshift variant.
Genome position (GRCh38, 1-based): chr2:173,366,332, A deleted; the last of 3 consecutive A bases (chr2:173,366,330-173,366,332); deleting any one gives the same sequence. VCF-style (leftmost placement, unchanged base first): chr2-173366329-CA-C. GRCh37 (hg19) VCF-style: chr2-174231057-CA-C.
Other names: c.848del, p.Asn283fs (NM_145810.3); short protein forms N362fs, N283fs.
Identifiers: ClinVar variation 1385228 (VCV001385228.6), dbSNP rs2106392341, ClinGen allele CA2573133727.